The following is an entry in ClinVar:

ClinVar aggregate classification (germline): Uncertain significance (1 of 4 stars; one submission).

Conditions:
Neuronal ceroid lipofuscinosis. Also called: Neuronal Ceroid Lipofuscinoses. Identifiers: Orphanet 216, Orphanet 79263, MedGen C0027877, MONDO:0016295. Disease mechanism: loss of function.

Submission:

Labcorp Genetics (formerly Invitae), Labcorp
Classification: Uncertain significance for Neuronal ceroid lipofuscinosis. Last evaluated: 2024-05-15. Review status: criteria provided, single submitter. Criteria: Invitae Variant Classification Sherloc (09022015). Collection method: clinical testing. Allele origin: germline.
Comment: This sequence change falls in intron 13 of the CLN3 gene. It does not directly change the encoded amino acid sequence of the CLN3 protein. It affects a nucleotide within the consensus splice site. This variant is not present in population databases (gnomAD no frequency). This variant has been observed in individual(s) with retinitis pigmentosa (PMID: 36819107). Variants that disrupt the consensus splice site are a relatively common cause of aberrant splicing (PMID: 17576681, 9536098). Algorithms developed to predict the effect of sequence changes on RNA splicing suggest that this variant may disrupt the consensus splice site. In summary, the available evidence is currently insufficient to determine the role of this variant in disease. Therefore, it has been classified as a Variant of Uncertain Significance.

Literature cited by the submitters: PubMed 36819107; PubMed 17576681; PubMed 9536098.

NM_001042432.2(CLN3):c.962+2dup

Gene: CLN3 (CLN3 lysosomal/endosomal transmembrane protein, battenin; minus strand). Cytogenetic location: 16p12.1.
Variant type: Duplication.
Coding change: c.962+2dup on transcript NM_001042432.2 (MANE Select); the canonical splice donor site of the intron after coding-DNA position 962, one base duplicated (T; older notation c.962+2dupT).
Molecular consequence: splice donor variant.
Genome position (GRCh38, 1-based): chr16:28,482,325, A duplicated on the plus strand (T on the coding strand, the reverse complement: CLN3 is on the minus strand). VCF-style (leftmost placement, unchanged base first): chr16-28482324-T-TA. GRCh37 (hg19) VCF-style: chr16-28493645-T-TA.
Other names: c.728+2dup (NM_001286109.2); c.890+2dup (NM_001286104.2); c.662+2dup (NM_001286105.2); c.800+2dup (NM_001286110.2); c.962+2dup (NM_000086.2).
Identifiers: ClinVar variation 2855731 (VCV002855731.3), dbSNP rs2506451149, ClinGen allele CA2573332832.